The following is an entry in ClinVar:

ClinVar aggregate classification (germline): Pathogenic. Review status: criteria provided, single submitter (1 of 4 stars). 2 submissions from 2 submitters: Pathogenic (1). 1 of the submissions does not count toward it. Last evaluated 2019-05-05.

Conditions:
Familial adenomatous polyposis 1 (FAP1). Also called: FAMILIAL ADENOMATOUS POLYPOSIS 1, ATTENUATED; POLYPOSIS, ADENOMATOUS INTESTINAL. Identifiers: MedGen C2713442, MONDO:0021056, OMIM 175100. Disease mechanism: loss of function.

Submissions (2):

Labcorp Genetics (formerly Invitae), Labcorp
Classification: Pathogenic for Familial adenomatous polyposis 1. Last evaluated: 2019-05-05. Review status: criteria provided, single submitter. Criteria: Invitae Variant Classification Sherloc (09022015). Collection method: clinical testing. Allele origin: germline.
Comment: This variant is expected to disrupt the EB1 and HDLG binding sites, which mediate interactions with the cytoskeleton (PMID: 15311282, 17293347). While functional studies have not been performed to directly test the effect on APC protein function, this suggests that disruption of the C-terminal portion of the protein is functionally important. For these reasons, this variant has been classified as Pathogenic. A different truncation (p.Tyr2645Lysfs*14) that lies downstream of this variant has been determined to be pathogenic (PMID: 9824584, 1316610, 27081525, 8381579, 22135120, Invitae). This suggests that deletion of this region of the APC protein is causative of disease. This variant has not been reported in the literature in individuals with APC-related conditions. ClinVar contains an entry for this variant (Variation ID: 217951). This variant is not present in population databases (ExAC no frequency). This sequence change results in a premature translational stop signal in the APC gene (p.Arg876Alafs*36). While this is not anticipated to result in nonsense mediated decay, it is expected to disrupt the last 1968 amino acids of the APC protein.

Mayo Clinic Laboratories, Mayo Clinic
Classification: Likely pathogenic. Review status: no assertion criteria provided. Collection method: research. Allele origin: unknown. Observed: 2 variant alleles. Not counted in ClinVar's aggregate classification.

Literature cited by the submitters: PubMed 15311282 (cited by Labcorp Genetics (formerly Invitae), Labcorp); PubMed 17293347 (cited by Labcorp Genetics (formerly Invitae), Labcorp); PubMed 9824584 (cited by Labcorp Genetics (formerly Invitae), Labcorp); PubMed 1316610 (cited by Labcorp Genetics (formerly Invitae), Labcorp); PubMed 27081525 (cited by Labcorp Genetics (formerly Invitae), Labcorp); PubMed 8381579 (cited by Labcorp Genetics (formerly Invitae), Labcorp); PubMed 22135120 (cited by Labcorp Genetics (formerly Invitae), Labcorp).

NM_000038.6(APC):c.2624dup (p.Arg876fs)

Gene: APC (APC regulator of Wnt signaling pathway; plus strand). Cytogenetic location: 5q22.2.
Variant type: Duplication.
Coding change: c.2624dup on transcript NM_000038.6 (MANE Select); coding-DNA position 2624, one base duplicated (A; older notation c.2624dupA).
Protein change: p.Arg876fs; shifts the reading frame from arginine 876.
Molecular consequence: frameshift variant.
Genome position (GRCh38, 1-based): chr5:112,838,218, A duplicated; the last of 3 consecutive A bases (chr5:112,838,216-112,838,218); duplicating any one gives the same sequence. VCF-style (leftmost placement, unchanged base first): chr5-112838215-C-CA. GRCh37 (hg19) VCF-style: chr5-112173912-C-CA.
Other names: c.2624dup, p.Arg876fs (NM_001127510.3, NM_001354895.2); c.2570dup, p.Arg858fs (NM_001127511.3); c.2678dup, p.Arg894fs (NM_001354896.2); c.2654dup, p.Arg886fs (NM_001354897.2); c.2549dup, p.Arg851fs (NM_001354898.2); c.2540dup, p.Arg848fs (NM_001354899.2); c.2501dup, p.Arg835fs (NM_001354900.2); c.2447dup, p.Arg817fs (NM_001354901.2); and 6 more; short protein forms R817fs, R835fs, R848fs, R876fs, R716fs, R750fs, R775fs, R785fs.
Identifiers: ClinVar variation 217951 (VCV000217951.18), dbSNP rs863225330, ClinGen allele CA279793.